The following is an entry in ClinVar:

ClinVar aggregate classification (germline): Uncertain significance (1 of 4 stars; one submission).

Allele frequency attached by ClinVar (database versions not stated): TOPMed below 0.00001; gnomAD 0.00001.
gnomAD v4.1: 37 of 1,613,672 alleles (0.0023%); highest among the groups gnomAD compares: South Asian, 0.019%; 1 homozygote.

Submission:

GeneDx
Classification: Uncertain significance. Last evaluated: 2024-02-13. Review status: criteria provided, single submitter. Criteria: GeneDx Variant Classification Process June 2021. Collection method: clinical testing. Allele origin: germline. Affected: yes.
Comment: In silico analysis supports that this missense variant has a deleterious effect on protein structure/function; In silico analysis is inconclusive as to whether the variant alters gene splicing. In the absence of RNA/functional studies, the actual effect of this sequence change is unknown.; Has not been previously published as pathogenic or benign to our knowledge

NM_005559.4(LAMA1):c.6514C>T (p.Arg2172Trp)

Gene: LAMA1 (laminin subunit alpha 1; minus strand). Cytogenetic location: 18p11.31.
Variant type: single nucleotide variant.
Coding change: c.6514C>T on transcript NM_005559.4 (MANE Select); coding-DNA position 6514, C replaced by T.
Protein change: p.Arg2172Trp; replaces arginine 2172 with tryptophan.
Molecular consequence: missense variant.
Genome position (GRCh38, 1-based): chr18:6,975,012, G>A on the plus strand (C>T on the coding strand, the complement: LAMA1 is on the minus strand). VCF-style: chr18-6975012-G-A. GRCh37 (hg19) VCF-style: chr18-6975011-G-A.
Other names: short protein forms R2172W.
Identifiers: ClinVar variation 1312258 (VCV001312258.3), dbSNP rs756411628, ClinGen allele CA8881199.
Genomic context (GRCh38, chr18:6,975,012, plus strand): 5'-GAAACTCCAAGCGTGTGGACCCGGAGCCCAGGTCCCACAGGAAGGCCACTCTCCCTCGCC[G>A]CATCTCCACTGCAAGGAAATCAGACTGGGGGGCGAGGAATGAACGGGGATCAGTTTACAC-3'
Protein context (NP_005550.2, residues 2162-2182): TASDFLAVEM[Arg2172Trp]RGRVAFLWDL